The following is an entry in ClinVar:

ClinVar aggregate classification (germline): Benign (1 of 4 stars; one submission).

Conditions:
Noonan syndrome-like disorder with loose anagen hair 1 (NSLH1). Also called: MAZZANTI SYNDROME; TOSTI SYNDROME. Identifiers: Orphanet 2701, MedGen C4478716, MONDO:0054637, OMIM 607721.

Allele frequency attached by ClinVar (database versions not stated): gnomAD 0.00010; TOPMed 0.00039; 1000 Genomes Project 0.00180; 1000 Genomes Project 30x 0.00187.

Submission:

Illumina Laboratory Services, Illumina
Classification: Benign for Noonan syndrome-like disorder with loose anagen hair 1. Last evaluated: 2018-01-13. Review status: criteria provided, single submitter. Criteria: ICSL Variant Classification Criteria 13 December 2019. Collection method: clinical testing. Allele origin: germline.
Comment: This variant was observed in the ICSL laboratory as part of a predisposition screen in an ostensibly healthy population. It had not been previously curated by ICSL or reported in the Human Gene Mutation Database (HGMD: prior to June 1st, 2018), and was therefore a candidate for classification through an automated scoring system. Utilizing variant allele frequency, disease prevalence and penetrance estimates, and inheritance mode, an automated score was calculated to assess if this variant is too frequent to cause the disease. Based on the score and internal cut-off values, a variant classified as benign is not then subjected to further curation. The score for this variant resulted in a classification of benign for this disease.

NM_007373.4(SHOC2):c.*1106A>C

Gene: SHOC2 (SHOC2 leucine rich repeat scaffold protein; plus strand). Cytogenetic location: 10q25.2.
Variant type: single nucleotide variant.
Coding change: c.*1106A>C on transcript NM_007373.4 (MANE Select); 1106 bases downstream of the stop codon, A replaced by C.
Molecular consequence: 3 prime UTR variant. On other transcripts: non-coding transcript variant (1).
Genome position (GRCh38, 1-based): chr10:111,012,924, A>C. VCF-style: chr10-111012924-A-C. GRCh37 (hg19) VCF-style: chr10-112772682-A-C.
Other names: c.*1106A>C (NM_001269039.3, NM_001324336.2, NM_001324337.2).
Identifiers: ClinVar variation 298877 (VCV000298877.5), dbSNP rs118172559, ClinGen allele CA10631035.